The following is an entry in ClinVar:

ClinVar aggregate classification (germline): Uncertain significance (1 of 4 stars; one submission).

Allele frequency attached by ClinVar (database versions not stated): ExAC 0.00002; gnomAD 0.00002; TOPMed 0.00002.
gnomAD v4.1: 8 of 1,613,924 alleles (0.0005%); highest among the groups gnomAD compares: African/African-American, 0.0053%; no homozygotes.

Submission:

Labcorp Genetics (formerly Invitae), Labcorp
Classification: Uncertain significance. Last evaluated: 2022-02-08. Review status: criteria provided, single submitter. Criteria: Invitae Variant Classification Sherloc (09022015). Collection method: clinical testing. Allele origin: germline.
Comment: ClinVar contains an entry for this variant (Variation ID: 844525). This sequence change replaces proline, which is neutral and non-polar, with leucine, which is neutral and non-polar, at codon 1116 of the RP1 protein (p.Pro1116Leu). This variant is present in population databases (rs761263114, gnomAD 0.01%). This variant has not been reported in the literature in individuals affected with RP1-related conditions. Algorithms developed to predict the effect of missense changes on protein structure and function (SIFT, PolyPhen-2, Align-GVGD) all suggest that this variant is likely to be tolerated. In summary, the available evidence is currently insufficient to determine the role of this variant in disease. Therefore, it has been classified as a Variant of Uncertain Significance.

NM_006269.2(RP1):c.3347C>T (p.Pro1116Leu)

Gene: RP1 (RP1 axonemal microtubule associated; plus strand). Cytogenetic location: 8q12.1.
Variant type: single nucleotide variant.
Coding change: c.3347C>T on transcript NM_006269.2 (MANE Select); coding-DNA position 3347, C replaced by T.
Protein change: p.Pro1116Leu; replaces proline 1116 with leucine.
Molecular consequence: missense variant. On other transcripts: intron variant (1).
Genome position (GRCh38, 1-based): chr8:54,627,229, C>T. VCF-style: chr8-54627229-C-T. GRCh37 (hg19) VCF-style: chr8-55539789-C-T.
Other names: c.787+4941C>T (NM_001375654.1); short protein forms P1116L.
Identifiers: ClinVar variation 844525 (VCV000844525.9), dbSNP rs761263114, ClinGen allele CA4751675.